The following is an entry in ClinVar:

ClinVar aggregate classification (germline): Conflicting classifications of pathogenicity. Review status: criteria provided, conflicting classifications (1 of 4 stars). 2 submissions from 2 submitters: Uncertain significance (1); Likely benign (1). Last evaluated 2024-08-30.

Conditions:
Cardiomyopathy (CMYO). Also called: Cardiomyopathies. Identifiers: Orphanet 167848, MedGen C0878544, MONDO:0004994, HP:0001638. Inheritance: Various modes of inheritance.
Hypertrophic cardiomyopathy. Also called: HYPERTROPHIC MYOCARDIOPATHY. Identifiers: Orphanet 217569, MedGen C0007194, MeSH D002312, MONDO:0005045, HP:0001639.

Allele frequency attached by ClinVar (database versions not stated): gnomAD exomes 0.00001; ExAC 0.00002.
gnomAD v4.1: 3 of 1,612,034 alleles (0.00019%); highest among the groups gnomAD compares: East Asian, 0.0067%; no homozygotes.

Submissions (2):

Color Diagnostics, LLC DBA Color Health
Classification: Likely benign for Cardiomyopathy. Last evaluated: 2024-08-30. Review status: criteria provided, single submitter. Criteria: ACMG Guidelines, 2015. Collection method: clinical testing. Allele origin: germline.

Labcorp Genetics (formerly Invitae), Labcorp
Classification: Uncertain significance for Hypertrophic cardiomyopathy. Last evaluated: 2024-04-12. Review status: criteria provided, single submitter. Criteria: Invitae Variant Classification Sherloc (09022015). Collection method: clinical testing. Allele origin: germline.
Comment: This sequence change replaces asparagine, which is neutral and polar, with serine, which is neutral and polar, at codon 1171 of the MYBPC3 protein (p.Asn1171Ser). This variant is present in population databases (rs749752972, gnomAD 0.02%). This variant has not been reported in the literature in individuals affected with MYBPC3-related conditions. ClinVar contains an entry for this variant (Variation ID: 924298). Algorithms developed to predict the effect of missense changes on protein structure and function output the following: SIFT: "Not Available"; PolyPhen-2: "Benign"; Align-GVGD: "Not Available". The serine amino acid residue is found in multiple mammalian species, which suggests that this missense change does not adversely affect protein function. In summary, the available evidence is currently insufficient to determine the role of this variant in disease. Therefore, it has been classified as a Variant of Uncertain Significance.

NM_000256.3(MYBPC3):c.3512A>G (p.Asn1171Ser)

Gene: MYBPC3 (myosin binding protein C3; minus strand). Cytogenetic location: 11p11.2.
Variant type: single nucleotide variant.
Coding change: c.3512A>G on transcript NM_000256.3 (MANE Select); coding-DNA position 3512, A replaced by G.
Protein change: p.Asn1171Ser; replaces asparagine 1171 with serine.
Molecular consequence: missense variant.
Genome position (GRCh38, 1-based): chr11:47,332,681, T>C on the plus strand (A>G on the coding strand, the complement: MYBPC3 is on the minus strand). VCF-style: chr11-47332681-T-C. GRCh37 (hg19) VCF-style: chr11-47354232-T-C.
Other names: short protein forms N1171S.
Identifiers: ClinVar variation 924298 (VCV000924298.4), dbSNP rs749752972, ClinGen allele CA079421.